The following is an entry in ClinVar:

ClinVar aggregate classification (germline): Uncertain significance. Review status: criteria provided, multiple submitters, no conflicts (2 of 4 stars). 6 submissions from 6 submitters: Uncertain significance (6). Last evaluated 2024-12-18.

Conditions:
Marfan syndrome (MFS). Also called: Marfan's syndrome; Marfan syndrome, classic; MARFAN SYNDROME, TYPE I; FBN1-Related Marfan Syndrome; Marfan syndrome type 1. Identifiers: Orphanet 284963, Orphanet 558, MedGen C0024796, MONDO:0007947, OMIM 154700.
Familial thoracic aortic aneurysm and aortic dissection (TAAD). Also called: Thoracic aortic aneurysms and dissections. Identifiers: Orphanet 91387, MedGen C4707243, MONDO:0019625.

Allele frequency attached by ClinVar (database versions not stated): TOPMed below 0.00001.
gnomAD v4.1: 1 of 1,613,524 alleles (0.000062%); highest among the groups gnomAD compares: Non-Finnish European, 0.000085%; no homozygotes.

Submissions (6):

GeneDx
Classification: Uncertain significance. Last evaluated: 2024-12-18. Review status: criteria provided, single submitter. Criteria: GeneDx Variant Classification Process June 2021. Collection method: clinical testing. Allele origin: germline. Affected: yes.
Comment: Not observed at significant frequency in large population cohorts (gnomAD); In silico analysis indicates that this missense variant does not alter protein structure/function; Does not affect a cysteine or calcium-binding residue within an EGF-like domain or a TGF-binding protein domain of the FBN1 gene; cysteine substitutions in the EGF-like domains represent the majority of pathogenic missense changes associated with FBN1-related disorders (PMID: 12938084); Has not been previously published as pathogenic or benign to our knowledge; This variant is associated with the following publications: (PMID: 12938084)

Labcorp Genetics (formerly Invitae), Labcorp
Classification: Uncertain significance for Marfan syndrome; Familial thoracic aortic aneurysm and aortic dissection. Last evaluated: 2024-06-25. Review status: criteria provided, single submitter. Criteria: Invitae Variant Classification Sherloc (09022015). Collection method: clinical testing. Allele origin: germline.
Comment: This sequence change replaces valine, which is neutral and non-polar, with methionine, which is neutral and non-polar, at codon 2119 of the FBN1 protein (p.Val2119Met). This variant is not present in population databases (gnomAD no frequency). This variant has not been reported in the literature in individuals affected with FBN1-related conditions. ClinVar contains an entry for this variant (Variation ID: 234313). Advanced modeling of protein sequence and biophysical properties (such as structural, functional, and spatial information, amino acid conservation, physicochemical variation, residue mobility, and thermodynamic stability) performed at Invitae indicates that this missense variant is not expected to disrupt FBN1 protein function with a negative predictive value of 95%. In summary, the available evidence is currently insufficient to determine the role of this variant in disease. Therefore, it has been classified as a Variant of Uncertain Significance.

Blueprint Genetics
Classification: Uncertain significance. Last evaluated: 2024-04-19. Review status: criteria provided, single submitter. Criteria: ACMG Guidelines, 2015. Collection method: clinical testing. Allele origin: germline.

CeGaT Center for Human Genetics Tuebingen
Classification: Uncertain significance. Last evaluated: 2022-06-01. Review status: criteria provided, single submitter. Criteria: CeGaT Center For Human Genetics Tuebingen Variant Classification Criteria Version 2. Collection method: clinical testing. Allele origin: germline. Affected: yes. Observed: 1 variant allele.
Comment: FBN1: PM2, PP2

MGZ Medical Genetics Center
Classification: Uncertain significance for Marfan syndrome. Last evaluated: 2021-11-02. Review status: criteria provided, single submitter. Criteria: ACMG Guidelines, 2015. Collection method: clinical testing. Allele origin: germline. Affected: yes. Observed: 1 variant allele.
Comment: ACMG criteria applied: PM1, PM2_SUP, PP2, PP3

CHEO Genetics Diagnostic Laboratory, Children's Hospital of Eastern Ontario
Classification: Uncertain significance for Familial thoracic aortic aneurysm and aortic dissection. Last evaluated: 2018-05-25. Review status: criteria provided, single submitter. Criteria: ACMG Guidelines, 2015. Collection method: clinical testing. Allele origin: germline.

NM_000138.5(FBN1):c.6355G>A (p.Val2119Met)

Gene: FBN1 (fibrillin 1; minus strand). Cytogenetic location: 15q21.1.
Variant type: single nucleotide variant.
Coding change: c.6355G>A on transcript NM_000138.5 (MANE Select); coding-DNA position 6355, G replaced by A.
Protein change: p.Val2119Met; replaces valine 2119 with methionine.
Molecular consequence: missense variant.
Genome position (GRCh38, 1-based): chr15:48,437,346, C>T on the plus strand (G>A on the coding strand, the complement: FBN1 is on the minus strand). VCF-style: chr15-48437346-C-T. GRCh37 (hg19) VCF-style: chr15-48729543-C-T.
Other names: short protein forms V2119M.
Identifiers: ClinVar variation 234313 (VCV000234313.40), dbSNP rs876660976, ClinGen allele CA10577512.